The following is an entry in ClinVar:

NM_181507.2(HPS5):c.2562-14G>C

Gene: HPS5 (HPS5 biogenesis of lysosomal organelles complex 2 subunit 2; minus strand). Cytogenetic location: 11p15.1.
Variant type: single nucleotide variant.
Coding change: c.2562-14G>C on transcript NM_181507.2 (MANE Select); 14 bases into the intron before coding-DNA position 2562, G replaced by C.
Molecular consequence: intron variant.
Genome position (GRCh38, 1-based): chr11:18,287,704, C>G on the plus strand (G>C on the coding strand, the complement: HPS5 is on the minus strand). VCF-style: chr11-18287704-C-G. GRCh37 (hg19) VCF-style: chr11-18309251-C-G.
Other names: c.2148-14G>C (NM_001440929.1, NM_001440928.1, NM_001440927.1); c.2220-14G>C (NM_181508.2, NM_001440921.1, NM_001440926.1 and 7 more transcripts); c.2451-14G>C (NM_001440915.1, NM_001440914.1, NM_001440913.1); c.1863-994G>C (NM_001440931.1); c.2561+189G>C (NM_001440917.1); c.2562-14G>C (NM_001440906.1, NM_001440905.1, NM_001440903.1 and 3 more transcripts); c.2487-14G>C (NM_001440907.1, NM_001440909.1, NM_001440908.1); c.2349-14G>C (NM_001440919.1); and 1 more.
Identifiers: ClinVar variation 303873 (VCV000303873.15), dbSNP rs199999276, ClinGen allele CA5909813.

ClinVar aggregate classification (germline): Conflicting classifications of pathogenicity. Review status: criteria provided, conflicting classifications (1 of 4 stars). 4 submissions from 4 submitters: Uncertain significance (1); Benign (2); Likely benign (1). Last evaluated 2026-01-19.

Conditions:
Hermansky-Pudlak syndrome 5 (HPS5). Identifiers: Orphanet 231512, Orphanet 79430, MedGen C3888004, MONDO:0013557, OMIM 614074.

Allele frequency attached by ClinVar (database versions not stated): gnomAD exomes 0.00022 and 0.00035; ExAC 0.00038; ESP Exome Variant Server 0.00069; 1000 Genomes Project 0.00100; gnomAD 0.00101 and 0.00107; 1000 Genomes Project 30x 0.00125; TOPMed 0.00134.

Submissions (4):

Labcorp Genetics (formerly Invitae), Labcorp
Classification: Benign. Last evaluated: 2026-01-19. Review status: criteria provided, single submitter. Criteria: Invitae Variant Classification Sherloc (09022015). Collection method: clinical testing. Allele origin: germline.

Blueprint Genetics
Classification: Likely benign. Last evaluated: 2024-09-18. Review status: criteria provided, single submitter. Criteria: ACMG Guidelines, 2015. Collection method: clinical testing. Allele origin: germline.

Women's Health and Genetics/Laboratory Corporation of America, LabCorp
Classification: Benign. Last evaluated: 2023-06-16. Review status: criteria provided, single submitter. Criteria: LabCorp Variant Classification Summary - May 2015. Collection method: clinical testing. Allele origin: germline.
Comment: Variant summary: HPS5 c.2562-14G>C alters a non-conserved nucleotide located close to a canonical splice site and therefore could affect mRNA splicing, leading to a significantly altered protein sequence. 4/4 computational tools predict no significant impact on normal splicing. However, these predictions have yet to be confirmed by functional studies. The variant allele was found at a frequency of 0.00039 in 282480 control chromosomes (gnomAD), predominantly at a frequency of 0.0021 within the African or African-American subpopulation in the gnomAD database. The observed variant frequency within African or African-American control individuals in the gnomAD database is approximately 4 fold of the estimated maximal expected allele frequency for a pathogenic variant in HPS5 causing Hermansky-Pudlak Syndrome (0.00047), strongly suggesting that the variant is a benign polymorphism found primarily in populations of African or African-American origin. To our knowledge, no occurrence of c.2562-14G>C in individuals affected with Hermansky-Pudlak Syndrome and no experimental evidence demonstrating its impact on protein function have been reported. Two ClinVar submitters have assessed the variant since 2014: one classified the variant as uncertain significance and one as benign. Based on the evidence outlined above, the variant was classified as benign.

Illumina Laboratory Services, Illumina
Classification: Uncertain significance for Hermansky-Pudlak syndrome 5. Last evaluated: 2018-01-12. Review status: criteria provided, single submitter. Criteria: ICSL Variant Classification Criteria 13 December 2019. Collection method: clinical testing. Allele origin: germline.